The following is an entry in ClinVar:

ClinVar aggregate classification (germline): Uncertain significance (1 of 4 stars; one submission).

Submission:

Labcorp Genetics (formerly Invitae), Labcorp
Classification: Uncertain significance. Last evaluated: 2022-10-24. Review status: criteria provided, single submitter. Criteria: Invitae Variant Classification Sherloc (09022015). Collection method: clinical testing. Allele origin: germline.
Comment: This variant is present in population databases (rs532914353, gnomAD 0.004%). In summary, the available evidence is currently insufficient to determine the role of this variant in disease. Therefore, it has been classified as a Variant of Uncertain Significance. Algorithms developed to predict the effect of missense changes on protein structure and function (SIFT, PolyPhen-2, Align-GVGD) all suggest that this variant is likely to be tolerated. This variant has not been reported in the literature in individuals affected with HMCN1-related conditions. This sequence change replaces histidine, which is basic and polar, with leucine, which is neutral and non-polar, at codon 3983 of the HMCN1 protein (p.His3983Leu).

NM_031935.3(HMCN1):c.11948A>T (p.His3983Leu)

Gene: HMCN1 (hemicentin 1; plus strand). Cytogenetic location: 1q31.1.
Variant type: single nucleotide variant.
Coding change: c.11948A>T on transcript NM_031935.3 (MANE Select); coding-DNA position 11948, A replaced by T.
Protein change: p.His3983Leu; replaces histidine 3983 with leucine.
Molecular consequence: missense variant.
Genome position (GRCh38, 1-based): chr1:186,119,290, A>T. VCF-style: chr1-186119290-A-T. GRCh37 (hg19) VCF-style: chr1-186088422-A-T.
Other names: short protein forms H3983L.
Identifiers: ClinVar variation 1722113 (VCV001722113.5), dbSNP rs532914353, ClinGen allele CA1294205.
Genomic context (GRCh38, chr1:186,119,290, plus strand): 5'-GAAGATACACTTGTGTCGCTAGGAATGCGGCTGGCTCTGCACATCGACACGTGACCCTTC[A>T]TGTTCATGGTATGGAAGGCTATTTACTCATTCAAAGTTCGCTGGGTTTGGGGAGGTTTTT-3'
Protein context (NP_114141.2, residues 3973-3993): AGSAHRHVTL[His3983Leu]VHEPPVIQPQ